The following is an entry in ClinVar:

NM_005996.4(TBX3):c.127G>A (p.Ala43Thr)

Genes: TBX3-AS1 (TBX3 antisense RNA 1; plus strand), TBX3 (T-box transcription factor 3; minus strand). Cytogenetic location: 12q24.21.
Variant type: single nucleotide variant.
Coding change: c.127G>A on transcript NM_005996.4 (MANE Select); coding-DNA position 127, G replaced by A.
Protein change: p.Ala43Thr; replaces alanine 43 with threonine.
Molecular consequence: missense variant.
Genome position (GRCh38, 1-based): chr12:114,683,074, C>T on the plus strand (G>A on the coding strand, the complement: TBX3 is on the minus strand). VCF-style: chr12-114683074-C-T. GRCh37 (hg19) VCF-style: chr12-115120879-C-T.
Other names: c.127G>A, p.Ala43Thr (NM_016569.4); c.127G>A (NM_016569.3); short protein forms A43T.
Identifiers: ClinVar variation 3667531 (VCV003667531.3).

ClinVar aggregate classification (germline): Uncertain significance. Review status: criteria provided, multiple submitters, no conflicts (2 of 4 stars). 2 submissions from 2 submitters: Uncertain significance (2). Last evaluated 2026-04-22.

Conditions:
TBX3-related disorder. Also called: TBX3-related condition.
Ulnar-mammary syndrome (UMS). Also called: Ulnar-mammary syndrome of Pallister; PALLISTER ULNAR-MAMMARY SYNDROME; SCHINZEL SYNDROME. Identifiers: Orphanet 3138, MedGen C1866994, MONDO:0008411, OMIM 181450.

Submissions (2):

PreventionGenetics, part of Exact Sciences
Classification: Uncertain significance for TBX3-related condition. Last evaluated: 2026-04-22. Review status: criteria provided, single submitter. Criteria: ACMG Guidelines, 2015. Collection method: clinical testing. Allele origin: germline.
Comment: The TBX3 c.127G>A variant is predicted to result in the amino acid substitution p.Ala43Thr. To our knowledge, this variant has not been reported in the literature. This variant is reported in 0.0087% of alleles in individuals of Latino descent in gnomAD. At this time, the clinical significance of this variant is uncertain due to the absence of conclusive functional and genetic evidence.

Labcorp Genetics (formerly Invitae), Labcorp
Classification: Uncertain significance for Ulnar-mammary syndrome. Last evaluated: 2025-03-20. Review status: criteria provided, single submitter. Criteria: Invitae Variant Classification Sherloc (09022015). Collection method: clinical testing. Allele origin: germline.
Comment: This sequence change replaces alanine, which is neutral and non-polar, with threonine, which is neutral and polar, at codon 43 of the TBX3 protein (p.Ala43Thr). This variant is present in population databases (no rsID available, gnomAD 0.009%). This variant has not been reported in the literature in individuals affected with TBX3-related conditions. An algorithm developed to predict the effect of missense changes on protein structure and function (PolyPhen-2) suggests that this variant is likely to be tolerated. In summary, the available evidence is currently insufficient to determine the role of this variant in disease. Therefore, it has been classified as a Variant of Uncertain Significance.